The following is an entry in ClinVar:

ClinVar aggregate classification (germline): Conflicting classifications of pathogenicity. Review status: criteria provided, conflicting classifications (1 of 4 stars). 6 submissions from 6 submitters: Likely pathogenic (2); Uncertain significance (4). Last evaluated 2026-09-14.

Conditions:
CC2D2A-related disorder. Also called: CC2D2A-related condition; CC2D2A-related disorders. Identifiers: MedGen CN239313.
Joubert syndrome. Also called: JOUBERT-BOLTSHAUSER SYNDROME; Familial aplasia of the vermis. Identifiers: Orphanet 475, MedGen C5979921, MONDO:0018772.
Meckel-Gruber syndrome. Also called: Dysencephalia splachnocystica; DYSENCEPHALIA SPLANCHNOCYSTICA; GRUBER SYNDROME. Identifiers: Orphanet 564, MedGen C0265215, MONDO:0018921.
Joubert syndrome 9 (JBTS9). Identifiers: Orphanet 2318, MedGen C2676788, MONDO:0012849, OMIM 612285.
Meckel syndrome, type 6. Identifiers: Orphanet 564, MedGen C2676790, MONDO:0012848, OMIM 612284.

Submissions (6):

GeneDx
Classification: Likely pathogenic. Last evaluated: 2026-09-14. Review status: criteria provided, single submitter. Criteria: GeneDx Variant Classification Process June 2021. Collection method: clinical testing. Allele origin: germline.
Comment: Not observed at significant frequency in large population cohorts (gnomAD); In silico analysis supports a deleterious effect on splicing; Has not been previously published as pathogenic or benign to our knowledge

PreventionGenetics, part of Exact Sciences
Classification: Uncertain significance for CC2D2A-related condition. Last evaluated: 2025-11-14. Review status: criteria provided, single submitter. Criteria: ACMG Guidelines, 2015. Collection method: clinical testing. Allele origin: germline.
Comment: The CC2D2A c.4315-6_4315-3delTCTT variant is predicted to result in an intronic deletion. This variant is predicted to alter splicing based on available splicing prediction programs (SpliceAI, Jaganathan et al. 2019. PubMed ID: 30661751). However, the use of computer prediction programs is not equivalent to functional evidence. To our knowledge, this variant has not been reported in the literature. This variant is reported in 0.0065% of alleles in individuals of European (Non-Finnish) descent in gnomAD. Although we suspect that this variant may be pathogenic, at this time, the clinical significance of this variant is uncertain due to the absence of conclusive functional and genetic evidence.

Clinical Genomics Laboratory, Washington University in St. Louis
Classification: Uncertain significance for Joubert syndrome 9. Last evaluated: 2024-10-25. Review status: criteria provided, single submitter. Criteria: ACMG Guidelines, 2015. Collection method: clinical testing. Allele origin: germline.
Comment: The CC2D2A c.4315-6_4315-3del variant, to our knowledge, has not been reported in the medical literature. Computational predictors indicate that this variant would alter splicing, evidence that correlates to an impact of this variant's CC2D2A function. This variant is only observed on 1/15,426 alleles in the general population (gnomAD v.2.1.1), indicating it is not a common variant. Another variant in the donor motif of the same exon, c.4290+1G>A, has been reported in an affected individual with Joubert syndrome and is considered pathogenic (ClinVar Variation ID: 191188). This variant has been reported in the ClinVar database as a germline likely pathogenic variant by two submitters and a variant of uncertain significance by two submitters. Due to limited information, and based on ACMG/AMP guidelines for variant interpretation (Richards S et al., PMID: 25741868), the clinical significance of this variant is uncertain at this time.

Labcorp Genetics (formerly Invitae), Labcorp
Classification: Uncertain significance for Joubert syndrome; Meckel-Gruber syndrome. Last evaluated: 2022-07-22. Review status: criteria provided, single submitter. Criteria: Invitae Variant Classification Sherloc (09022015). Collection method: clinical testing. Allele origin: germline.
Comment: This sequence change falls in intron 34 of the CC2D2A gene. It does not directly change the encoded amino acid sequence of the CC2D2A protein. This variant is present in population databases (no rsID available, gnomAD 0.007%). This variant has not been reported in the literature in individuals affected with CC2D2A-related conditions. ClinVar contains an entry for this variant (Variation ID: 1059667). Algorithms developed to predict the effect of sequence changes on RNA splicing suggest that this variant may disrupt the consensus splice site. In summary, the available evidence is currently insufficient to determine the role of this variant in disease. Therefore, it has been classified as a Variant of Uncertain Significance.

Laboratorio de Genetica e Diagnostico Molecular, Hospital Israelita Albert Einstein
Classification: Uncertain significance for Meckel syndrome, type 6. Last evaluated: 2022-05-27. Review status: criteria provided, single submitter. Criteria: ACMG Guidelines, 2015. Collection method: clinical testing. Allele origin: germline. Affected: yes. Observed: 1 variant allele.
Comment: ACMG classification criteria: PM2 moderated

Institute of Human Genetics, Heidelberg University
Classification: Likely pathogenic for Meckel syndrome, type 6. Last evaluated: 2022-03-16. Review status: criteria provided, single submitter. Criteria: ACMG Guidelines, 2015. Collection method: clinical testing. Allele origin: germline. Affected: yes.

NM_001378615.1(CC2D2A):c.4315-6_4315-3del

Genes: CC2D2A (coiled-coil and C2 domain containing 2A; plus strand), FBXL5 (F-box and leucine rich repeat protein 5; minus strand). Cytogenetic location: 4p15.32.
Variant type: Microsatellite.
Coding change: c.4315-6_4315-3del on transcript NM_001378615.1 (MANE Select); 6 bases into the intron before coding-DNA position 4315 through 3 bases into the intron before coding-DNA position 4315, 4 bases deleted (TCTT; older notation c.4315-6_4315-3delTCTT).
Molecular consequence: intron variant.
Genome position (GRCh38, 1-based): chr4:15,596,079-15,596,082, TCTT deleted; deleting any 4 consecutive bases within chr4:15,596,075-15,596,082 gives the same sequence; the c. name uses the placement nearest the transcript's 3' end. VCF-style (leftmost placement, unchanged base first): chr4-15596074-GTCTT-G. GRCh37 (hg19) VCF-style: chr4-15597697-GTCTT-G.
Other names: c.4315-6_4315-3del (NM_001080522.2); c.4168-6_4168-3del (NM_001378617.1); c.4315-6_4315-3delTCTT (NM_001080522.2).
Identifiers: ClinVar variation 1059667 (VCV001059667.16), dbSNP rs926806639, ClinGen allele CA92534205.